The following is an entry in ClinVar:

NM_198271.5(LMOD3):c.660G>C (p.Lys220Asn)

Gene: LMOD3 (leiomodin 3; minus strand). Cytogenetic location: 3p14.1.
Variant type: single nucleotide variant.
Coding change: c.660G>C on transcript NM_198271.5 (MANE Select); coding-DNA position 660, G replaced by C.
Protein change: p.Lys220Asn; replaces lysine 220 with asparagine.
Molecular consequence: missense variant.
Genome position (GRCh38, 1-based): chr3:69,119,695, C>G on the plus strand (G>C on the coding strand, the complement: LMOD3 is on the minus strand). VCF-style: chr3-69119695-C-G. GRCh37 (hg19) VCF-style: chr3-69168846-C-G.
Other names: c.660G>C, p.Lys220Asn (NM_001304418.3); c.660G>C (NM_198271.3, NM_198271.4); short protein forms K220N.
Identifiers: ClinVar variation 1391068 (VCV001391068.8), dbSNP rs778737371, ClinGen allele CA2488940.

ClinVar aggregate classification (germline): Uncertain significance. Review status: criteria provided, multiple submitters, no conflicts (2 of 4 stars). 3 submissions from 3 submitters: Uncertain significance (3). Last evaluated 2025-07-14.

Conditions:
Inborn genetic diseases. Identifiers: MedGen C0950123, MeSH D030342.
Nemaline myopathy 10 (NEM10). Identifiers: MedGen C4015360, MONDO:0014513, OMIM 616165.

Allele frequency attached by ClinVar (database versions not stated): ExAC 0.00001; gnomAD exomes 0.00001; gnomAD 0.00005 and 0.00006.
gnomAD v4.1: 16 of 1,613,846 alleles (0.00099%); highest among the groups gnomAD compares: African/African-American, 0.017%; no homozygotes.

Submissions (3):

Ambry Genetics
Classification: Uncertain significance for Inborn genetic diseases. Last evaluated: 2025-07-14. Review status: criteria provided, single submitter. Criteria: Ambry Variant Classification Scheme 2023. Collection method: clinical testing. Allele origin: germline.

GeneDx
Classification: Uncertain significance. Last evaluated: 2025-05-13. Review status: criteria provided, single submitter. Criteria: GeneDx Variant Classification Process June 2021. Collection method: clinical testing. Allele origin: germline. Affected: yes.
Comment: In silico analysis suggests that this missense variant does not alter protein structure/function; Has not been previously published as pathogenic or benign to our knowledge

Labcorp Genetics (formerly Invitae), Labcorp
Classification: Uncertain significance for Nemaline myopathy 10. Last evaluated: 2022-08-23. Review status: criteria provided, single submitter. Criteria: Invitae Variant Classification Sherloc (09022015). Collection method: clinical testing. Allele origin: germline.
Comment: This variant has not been reported in the literature in individuals affected with LMOD3-related conditions. ClinVar contains an entry for this variant (Variation ID: 1391068). Algorithms developed to predict the effect of missense changes on protein structure and function are either unavailable or do not agree on the potential impact of this missense change (SIFT: "Tolerated"; PolyPhen-2: "Probably Damaging"; Align-GVGD: "Class C0"). The frequency data for this variant in the population databases is considered unreliable, as metrics indicate poor data quality at this position in the gnomAD database. This sequence change replaces lysine, which is basic and polar, with asparagine, which is neutral and polar, at codon 220 of the LMOD3 protein (p.Lys220Asn). In summary, the available evidence is currently insufficient to determine the role of this variant in disease. Therefore, it has been classified as a Variant of Uncertain Significance.